The following is an entry in ClinVar:

NM_002907.4(RECQL):c.1001T>A (p.Leu334Ter)

Gene: RECQL (RecQ like helicase; minus strand). Cytogenetic location: 12p12.1.
Variant type: single nucleotide variant.
Coding change: c.1001T>A on transcript NM_002907.4 (MANE Select); coding-DNA position 1001, T replaced by A.
Protein change: p.Leu334Ter; replaces leucine 334 with a stop codon.
Molecular consequence: nonsense.
Genome position (GRCh38, 1-based): chr12:21,475,773, A>T on the plus strand (T>A on the coding strand, the complement: RECQL is on the minus strand). VCF-style: chr12-21475773-A-T. GRCh37 (hg19) VCF-style: chr12-21628707-A-T.
Other names: c.1001T>A, p.Leu334Ter (NM_032941.3); short protein forms L334*.
Identifiers: ClinVar variation 1769804 (VCV001769804.3), dbSNP rs555369827, ClinGen allele CA6478885.
Genomic context (GRCh38, chr12:21,475,773, plus strand): 5'-GTCTTATCTTCTGGCTCCAAATTGGCATGGTAAGCACCTGCATGAATTCCCAGATTCTGC[A>T]AACTAACCGTAACTTGTTCAGAGTCTTTCTGAGAAAAACAATATATGATTCCTGCAGTAA-3'

ClinVar aggregate classification (germline): Uncertain significance (1 of 4 stars; one submission).

Allele frequency attached by ClinVar (database versions not stated): gnomAD exomes below 0.00001; ExAC 0.00001; gnomAD 0.00001; TOPMed 0.00002; 1000 Genomes Project 0.00020; 1000 Genomes Project 30x 0.00031.
gnomAD v4.1: 3 of 1,613,322 alleles (0.00019%); highest among the groups gnomAD compares: Admixed American, 0.0017%; no homozygotes.

Submission:

Ambry Genetics
Classification: Uncertain significance. Last evaluated: 2024-06-12. Review status: criteria provided, single submitter. Criteria: Ambry Variant Classification Scheme 2023. Collection method: clinical testing. Allele origin: germline.
Comment: The p.L334* variant (also known as c.1001T>A), located in coding exon 8 of the RECQL gene, results from a T to A substitution at nucleotide position 1001. This changes the amino acid from a leucine to a stop codon within coding exon 8. This alteration is expected to result in premature protein truncation or nonsense-mediated mRNA decay. However, the evidence for this gene-disease relationship is limited; therefore, the clinical significance of this alteration is unclear.